The following is an entry in ClinVar:

NM_015021.3(ZNF292):c.3889T>C (p.Tyr1297His)

Gene: ZNF292 (zinc finger protein 292; plus strand). Cytogenetic location: 6q14.3.
Variant type: single nucleotide variant.
Coding change: c.3889T>C on transcript NM_015021.3 (MANE Select); coding-DNA position 3889, T replaced by C.
Protein change: p.Tyr1297His; replaces tyrosine 1297 with histidine.
Molecular consequence: missense variant.
Genome position (GRCh38, 1-based): chr6:87,257,518, T>C. VCF-style: chr6-87257518-T-C. GRCh37 (hg19) VCF-style: chr6-87967236-T-C.
Other names: c.3469T>C, p.Tyr1157His (NM_001351444.2); short protein forms Y1157H, Y1297H.
Identifiers: ClinVar variation 3047389 (VCV003047389.3), dbSNP rs2482320346, ClinGen allele CA364924508.
Genomic context (GRCh38, chr6:87,257,518, plus strand): 5'-TCACCAGCAGATAGTGGGACTAATTCTGTTTTTTCCCAACTGGAAAATAATACAAATCAT[T>C]ATTCCTCACAGATTGAAGGAAACACTAATTCCTCCTTTCTAAAGGGGGGTAATGGTGAAA-3'
Protein context (NP_055836.1, residues 1287-1307): FSQLENNTNH[Tyr1297His]SSQIEGNTNS

ClinVar aggregate classification (germline): Uncertain significance. Review status: criteria provided, single submitter (1 of 4 stars). 2 submissions from 2 submitters: Uncertain significance (1). 1 of the submissions does not count toward it. Last evaluated 2025-05-27.

Conditions:
ZNF292-related disorder. Also called: ZNF292-related condition.

Submissions (2):

GeneDx
Classification: Uncertain significance. Last evaluated: 2025-05-27. Review status: criteria provided, single submitter. Criteria: GeneDx Variant Classification Process June 2021. Collection method: clinical testing. Allele origin: germline. Affected: yes.
Comment: Not observed at significant frequency in large population cohorts (gnomAD); In silico analysis suggests that this missense variant does not alter protein structure/function; Has not been previously published as pathogenic or benign to our knowledge

PreventionGenetics, part of Exact Sciences
Classification: Uncertain significance for ZNF292-related condition. Last evaluated: 2024-01-18. Review status: no assertion criteria provided. Collection method: clinical testing. Allele origin: germline. Not counted in ClinVar's aggregate classification.
Comment: The ZNF292 c.3889T>C variant is predicted to result in the amino acid substitution p.Tyr1297His. To our knowledge, this variant has not been reported in the literature or in a large population database, indicating this variant is rare. At this time, the clinical significance of this variant is uncertain due to the absence of conclusive functional and genetic evidence.